The following is an entry in ClinVar:

NM_007194.4(CHEK2):c.521T>A (p.Leu174His)

Gene: CHEK2 (checkpoint kinase 2; minus strand). Cytogenetic location: 22q12.1.
Variant type: single nucleotide variant.
Coding change: c.521T>A on transcript NM_007194.4 (MANE Select); coding-DNA position 521, T replaced by A.
Protein change: p.Leu174His; replaces leucine 174 with histidine.
Molecular consequence: missense variant. On other transcripts: 5 prime UTR variant (2), intron variant (1).
Genome position (GRCh38, 1-based): chr22:28,725,048, A>T on the plus strand (T>A on the coding strand, the complement: CHEK2 is on the minus strand). VCF-style: chr22-28725048-A-T. GRCh37 (hg19) VCF-style: chr22-29121036-A-T.
Other names: c.650T>A, p.Leu217His (NM_001005735.3, NM_001438294.1); c.-257T>A (NM_001257387.3); c.-143T>A (NM_001437942.1); c.614T>A, p.Leu205His (NM_001438293.1, NM_001438295.1); c.521T>A, p.Leu174His (NM_145862.3); c.445-125T>A (NM_001349956.3); short protein forms L217H, L174H, L205H.
Identifiers: ClinVar variation 1746159 (VCV001746159.2), dbSNP rs2146059182, ClinGen allele CA411107335.

ClinVar aggregate classification (germline): Uncertain significance (1 of 4 stars; one submission).

Conditions:
Hereditary cancer-predisposing syndrome. Also called: Hereditary Cancer Syndrome; Neoplastic Syndromes, Hereditary; Tumor predisposition; Hereditary neoplastic syndrome. Identifiers: Orphanet 140162, MedGen C0027672, MeSH D009386, MONDO:0015356.

Submission:

Ambry Genetics
Classification: Uncertain significance for Hereditary cancer-predisposing syndrome. Last evaluated: 2022-07-15. Review status: criteria provided, single submitter. Criteria: Ambry Variant Classification Scheme 2023. Collection method: clinical testing. Allele origin: germline.
Comment: The p.L174H variant (also known as c.521T>A), located in coding exon 3 of the CHEK2 gene, results from a T to A substitution at nucleotide position 521. The leucine at codon 174 is replaced by histidine, an amino acid with similar properties. This amino acid position is conserved. In addition, the in silico prediction for this alteration is inconclusive. Since supporting evidence is limited at this time, the clinical significance of this alteration remains unclear.